The following is an entry in ClinVar:

NM_015047.3(EMC1):c.221T>C (p.Leu74Ser)

Gene: EMC1 (ER membrane protein complex subunit 1; minus strand). Cytogenetic location: 1p36.13.
Variant type: single nucleotide variant.
Coding change: c.221T>C on transcript NM_015047.3 (MANE Select); coding-DNA position 221, T replaced by C.
Protein change: p.Leu74Ser; replaces leucine 74 with serine.
Molecular consequence: missense variant. On other transcripts: intron variant (1).
Genome position (GRCh38, 1-based): chr1:19,244,015, A>G on the plus strand (T>C on the coding strand, the complement: EMC1 is on the minus strand). VCF-style: chr1-19244015-A-G. GRCh37 (hg19) VCF-style: chr1-19570509-A-G.
Other names: c.221T>C, p.Leu74Ser (NM_001271427.2, NM_001271428.2, NM_001375820.1 and 1 more transcripts); c.221-308T>C (NM_001271429.2); short protein forms L74S.
Identifiers: ClinVar variation 1997904 (VCV001997904.4), dbSNP rs774266430, ClinGen allele CA653001.

ClinVar aggregate classification (germline): Uncertain significance (1 of 4 stars; one submission).

Allele frequency attached by ClinVar (database versions not stated): gnomAD exomes below 0.00001; ExAC 0.00001.
gnomAD v4.1: 2 of 1,614,114 alleles (0.00012%); highest among the groups gnomAD compares: Non-Finnish European, 0.00017%; no homozygotes.

Submission:

Labcorp Genetics (formerly Invitae), Labcorp
Classification: Uncertain significance. Last evaluated: 2022-05-22. Review status: criteria provided, single submitter. Criteria: Invitae Variant Classification Sherloc (09022015). Collection method: clinical testing. Allele origin: germline.
Comment: In summary, the available evidence is currently insufficient to determine the role of this variant in disease. Therefore, it has been classified as a Variant of Uncertain Significance. Algorithms developed to predict the effect of missense changes on protein structure and function (SIFT, PolyPhen-2, Align-GVGD) all suggest that this variant is likely to be tolerated. This variant has not been reported in the literature in individuals affected with EMC1-related conditions. This variant is present in population databases (rs774266430, gnomAD 0.0009%). This sequence change replaces leucine, which is neutral and non-polar, with serine, which is neutral and polar, at codon 74 of the EMC1 protein (p.Leu74Ser).